The following is an entry in ClinVar:

NM_003265.3(TLR3):c.1606G>A (p.Asp536Asn)

Gene: TLR3 (toll like receptor 3; plus strand). Cytogenetic location: 4q35.1.
Variant type: single nucleotide variant.
Coding change: c.1606G>A on transcript NM_003265.3 (MANE Select); coding-DNA position 1606, G replaced by A.
Protein change: p.Asp536Asn; replaces aspartic acid 536 with asparagine.
Molecular consequence: missense variant.
Genome position (GRCh38, 1-based): chr4:186,083,292, G>A. VCF-style: chr4-186083292-G-A. GRCh37 (hg19) VCF-style: chr4-187004446-G-A.
Other names: short protein forms D536N.
Identifiers: ClinVar variation 1977597 (VCV001977597.5), dbSNP rs775850017, ClinGen allele CA3161444.

ClinVar aggregate classification (germline): Uncertain significance (1 of 4 stars; one submission).

Conditions:
Encephalopathy, acute, infection-induced (herpes-specific), susceptibility to, 1. Also called: Herpes simplex encephalitis, susceptibility to, 1. Identifiers: Orphanet 1930, MedGen C2750180, MONDO:0024563, OMIM 610551.

Allele frequency attached by ClinVar (database versions not stated): gnomAD 0.00001; ExAC 0.00001.
gnomAD v4.1: 13 of 1,613,948 alleles (0.00081%); highest among the groups gnomAD compares: East Asian, 0.0045%; no homozygotes.

Submission:

Labcorp Genetics (formerly Invitae), Labcorp
Classification: Uncertain significance for Encephalopathy, acute, infection-induced (herpes-specific), susceptibility to, 1. Last evaluated: 2025-09-15. Review status: criteria provided, single submitter. Criteria: Invitae Variant Classification Sherloc (09022015). Collection method: clinical testing. Allele origin: germline.
Comment: This sequence change replaces aspartic acid, which is acidic and polar, with asparagine, which is neutral and polar, at codon 536 of the TLR3 protein (p.Asp536Asn). This variant is present in population databases (rs775850017, gnomAD 0.01%). This variant has not been reported in the literature in individuals affected with TLR3-related conditions. ClinVar contains an entry for this variant (Variation ID: 1977597). An algorithm developed to predict the effect of missense changes on protein structure and function outputs the following: PolyPhen-2: "Benign". The asparagine amino acid residue is found in multiple mammalian species, which suggests that this missense change does not adversely affect protein function. In summary, the available evidence is currently insufficient to determine the role of this variant in disease. Therefore, it has been classified as a Variant of Uncertain Significance.